The following is an entry in ClinVar:

ClinVar aggregate classification (germline): Uncertain significance. Review status: criteria provided, multiple submitters, no conflicts (2 of 4 stars). 2 submissions from 2 submitters: Uncertain significance (2). Last evaluated 2026-04-20.

Allele frequency attached by ClinVar (database versions not stated): ExAC 0.00001; gnomAD 0.00001; gnomAD exomes 0.00001 and 0.00002; TOPMed 0.00001.
gnomAD v4.1: 7 of 1,613,088 alleles (0.00043%); highest among the groups gnomAD compares: Admixed American, 0.01%; no homozygotes.

Submissions (2):

Women's Health and Genetics/Laboratory Corporation of America, LabCorp
Classification: Uncertain significance. Last evaluated: 2026-04-20. Review status: criteria provided, single submitter. Criteria: LabCorp Variant Classification Summary - May 2015. Collection method: clinical testing. Allele origin: germline.

Labcorp Genetics (formerly Invitae), Labcorp
Classification: Uncertain significance. Last evaluated: 2024-10-29. Review status: criteria provided, single submitter. Criteria: Invitae Variant Classification Sherloc (09022015). Collection method: clinical testing. Allele origin: germline.
Comment: This sequence change replaces leucine, which is neutral and non-polar, with proline, which is neutral and non-polar, at codon 726 of the ZNF341 protein (p.Leu726Pro). This variant is present in population databases (rs752524774, gnomAD 0.009%). This variant has not been reported in the literature in individuals affected with ZNF341-related conditions. ClinVar contains an entry for this variant (Variation ID: 1425269). An algorithm developed to predict the effect of missense changes on protein structure and function (PolyPhen-2) suggests that this variant is likely to be tolerated. In summary, the available evidence is currently insufficient to determine the role of this variant in disease. Therefore, it has been classified as a Variant of Uncertain Significance.

NM_001282933.2(ZNF341):c.2198T>C (p.Leu733Pro)

Genes: ZNF341 (zinc finger protein 341; plus strand), ZNF341-AS1 (ZNF341 antisense RNA 1; minus strand). Cytogenetic location: 20q11.22.
Variant type: single nucleotide variant.
Coding change: c.2198T>C on transcript NM_001282933.2 (MANE Select); coding-DNA position 2198, T replaced by C.
Protein change: p.Leu733Pro; replaces leucine 733 with proline.
Molecular consequence: missense variant. On other transcripts: non-coding transcript variant (1).
Genome position (GRCh38, 1-based): chr20:33,791,150, T>C. VCF-style: chr20-33791150-T-C. GRCh37 (hg19) VCF-style: chr20-32378956-T-C.
Other names: c.1928T>C, p.Leu643Pro (NM_001282935.2); c.2177T>C, p.Leu726Pro (NM_032819.5); short protein forms L643P, L726P, L733P.
Identifiers: ClinVar variation 1425269 (VCV001425269.6), dbSNP rs752524774, ClinGen allele CA9819736.
Genomic context (GRCh38, chr20:33,791,150, plus strand): 5'-GTGCTGGCTGCGCCAAGGGCTTTTCCCGCCACAAATACCTCAAAGATCACCGCTGTCGTC[T>C]CGGCCCCCAAAAGGACAAGGACCTGCAAACCCGGCGGCCCCCCCAGAGGAGGGCAGCCCC-3'
Protein context (NP_001269862.1, residues 723-743): HKYLKDHRCR[Leu733Pro]GPQKDKDLQT